The following is an entry in ClinVar:

NM_001080.3(ALDH5A1):c.269T>C (p.Val90Ala)

Genes: ALDH5A1 (aldehyde dehydrogenase 5 family member A1; plus strand), GPLD1 (glycosylphosphatidylinositol specific phospholipase D1; minus strand), LOC129995978 (ATAC-STARR-seq lymphoblastoid silent region 16989; plus strand). Cytogenetic location: 6p22.3.
Variant type: single nucleotide variant.
Coding change: c.269T>C on transcript NM_001080.3 (MANE Select); coding-DNA position 269, T replaced by C.
Protein change: p.Val90Ala; replaces valine 90 with alanine.
Molecular consequence: missense variant.
Genome position (GRCh38, 1-based): chr6:24,495,265, T>C. VCF-style: chr6-24495265-T-C. GRCh37 (hg19) VCF-style: chr6-24495493-T-C.
Other names: c.269T>C, p.Val90Ala (NM_001368954.1, NM_170740.1); short protein forms V90A.
Identifiers: ClinVar variation 1916284 (VCV001916284.5), dbSNP rs1272389025, ClinGen allele CA362968569.

ClinVar aggregate classification (germline): Uncertain significance (1 of 4 stars; one submission).

Conditions:
Succinate-semialdehyde dehydrogenase deficiency (SSADHD). Also called: 4-HYDROXYBUTYRIC ACIDURIA; GABA METABOLIC DEFECT; Succinic Semialdehyde Dehydrogenase Deficiency; SSADH DEFICIENCY. Identifiers: Orphanet 22, MedGen C0268631, MONDO:0010083, OMIM 271980.

Allele frequency attached by ClinVar (database versions not stated): gnomAD 0.00001; gnomAD exomes 0.00001; TOPMed 0.00001.
gnomAD v4.1: 8 of 1,532,174 alleles (0.00052%); highest among the groups gnomAD compares: Non-Finnish European, 0.0007%; no homozygotes.

Submission:

Labcorp Genetics (formerly Invitae), Labcorp
Classification: Uncertain significance for Succinate-semialdehyde dehydrogenase deficiency. Last evaluated: 2023-07-10. Review status: criteria provided, single submitter. Criteria: Invitae Variant Classification Sherloc (09022015). Collection method: clinical testing. Allele origin: germline.
Comment: In summary, the available evidence is currently insufficient to determine the role of this variant in disease. Therefore, it has been classified as a Variant of Uncertain Significance. Advanced modeling of protein sequence and biophysical properties (such as structural, functional, and spatial information, amino acid conservation, physicochemical variation, residue mobility, and thermodynamic stability) has been performed at Invitae for this missense variant, however the output from this modeling did not meet the statistical confidence thresholds required to predict the impact of this variant on ALDH5A1 protein function. ClinVar contains an entry for this variant (Variation ID: 1916284). This missense change has been observed in individual(s) with clinical features of ALDH5A1-related conditions (PMID: 30091983). This variant is present in population databases (no rsID available, gnomAD 0.007%). This sequence change replaces valine, which is neutral and non-polar, with alanine, which is neutral and non-polar, at codon 90 of the ALDH5A1 protein (p.Val90Ala).

Literature cited by the submitters: PubMed 30091983.